The following is an entry in ClinVar:

ClinVar aggregate classification (germline): Pathogenic/Likely pathogenic. Review status: criteria provided, multiple submitters, no conflicts (2 of 4 stars). 2 submissions from 2 submitters: Pathogenic (1); Likely pathogenic (1). Last evaluated 2023-11-19.

Conditions:
Fanconi anemia (FA). Also called: Fanconi's anemia. Identifiers: Orphanet 84, MedGen C0015625, MeSH D005199, MONDO:0019391.

Submissions (2):

Labcorp Genetics (formerly Invitae), Labcorp
Classification: Pathogenic for Fanconi anemia. Last evaluated: 2023-11-19. Review status: criteria provided, single submitter. Criteria: Invitae Variant Classification Sherloc (09022015). Collection method: clinical testing. Allele origin: germline.
Comment: This sequence change creates a premature translational stop signal (p.Leu148Argfs*2) in the FANCA gene. It is expected to result in an absent or disrupted protein product. Loss-of-function variants in FANCA are known to be pathogenic (PMID: 19367192). This variant is not present in population databases (gnomAD no frequency). This variant has not been reported in the literature in individuals affected with FANCA-related conditions. ClinVar contains an entry for this variant (Variation ID: 1705964). For these reasons, this variant has been classified as Pathogenic.

Mayo Clinic Laboratories, Mayo Clinic
Classification: Likely pathogenic. Last evaluated: 2021-04-19. Review status: criteria provided, single submitter. Criteria: ACMG Guidelines, 2015. Collection method: clinical testing. Allele origin: germline.
Comment: PVS1, PM2

Literature cited by the submitters: PubMed 19367192 (cited by Labcorp Genetics (formerly Invitae), Labcorp); PubMed 30192042 (cited by Mayo Clinic Laboratories, Mayo Clinic); PubMed 29098742 (cited by Mayo Clinic Laboratories, Mayo Clinic); PubMed 22778927 (cited by Mayo Clinic Laboratories, Mayo Clinic).

NM_000135.4(FANCA):c.443del (p.Leu148fs)

Gene: FANCA (FA complementation group A; minus strand). Cytogenetic location: 16q24.3.
Variant type: Deletion.
Coding change: c.443del on transcript NM_000135.4 (MANE Select); coding-DNA position 443, one base deleted (T; older notation c.443delT).
Protein change: p.Leu148fs; shifts the reading frame from leucine 148.
Molecular consequence: frameshift variant. On other transcripts: intron variant (1).
Genome position (GRCh38, 1-based): chr16:89,810,786, A deleted on the plus strand (T on the coding strand, the reverse complement: FANCA is on the minus strand). VCF-style (leftmost placement, unchanged base first): chr16-89810785-CA-C. GRCh37 (hg19) VCF-style: chr16-89877193-CA-C.
Other names: c.443del, p.Leu148fs (NM_001018112.3, NM_001286167.3); c.426+143del (NM_001351830.2); short protein forms L148fs.
Identifiers: ClinVar variation 1705964 (VCV001705964.7), dbSNP rs2544362800, ClinGen allele CA2580092362.